The following is an entry in ClinVar:

NM_001379610.1(SPINK1):c.194+2T>C

Gene: SPINK1 (serine peptidase inhibitor Kazal type 1; minus strand). Cytogenetic location: 5q32.
Variant type: single nucleotide variant.
Coding change: c.194+2T>C on transcript NM_001379610.1 (MANE Select); the canonical splice donor site of the intron after coding-DNA position 194, T replaced by C.
Molecular consequence: splice donor variant.
Genome position (GRCh38, 1-based): chr5:147,828,020, A>G on the plus strand (T>C on the coding strand, the complement: SPINK1 is on the minus strand). VCF-style: chr5-147828020-A-G. GRCh37 (hg19) VCF-style: chr5-147207583-A-G.
Other names: IVS3+2T>C; c.194+2T>C (NM_003122.5, NM_001354966.2).
Identifiers: ClinVar variation 132142 (VCV000132142.71), dbSNP rs148954387, ClinGen allele CA345639.

ClinVar aggregate classification (germline): Pathogenic/Likely pathogenic. Review status: criteria provided, multiple submitters, no conflicts (2 of 4 stars). 21 submissions from 21 submitters: Pathogenic (13); Likely pathogenic (3). 5 of the submissions do not count toward it. Last evaluated 2026-01-28.

Conditions:
SPINK1-related disorder. Also called: SPINK1-related condition.
Chronic pancreatitis. Identifiers: MedGen C0149521, MONDO:0005003, HP:0006280.
Diabetes mellitus. Also called: Diabetes mellitus (disease). Identifiers: MedGen C0011849, MONDO:0005015, HP:0000819.
Tropical pancreatitis. Identifiers: Orphanet 103918, MedGen C1842402, MONDO:0011986, OMIM 608189.
Hereditary pancreatitis (PCTT). Also called: Hereditary chronic pancreatitis; PRSS1-Related Hereditary Pancreatitis. Identifiers: Orphanet 676, MedGen C0238339, MONDO:0008185, OMIM 167800.

Allele frequency attached by ClinVar (database versions not stated): gnomAD exomes 0.00011 and 0.00031; gnomAD 0.00012 and 0.00016; TOPMed 0.00021; ESP Exome Variant Server 0.00023; ExAC 0.00036; 1000 Genomes Project 30x 0.00062; 1000 Genomes Project 0.00080.

Submissions 1 to 13 of 24:

Labcorp Genetics (formerly Invitae), Labcorp
Classification: Pathogenic for Hereditary pancreatitis. Last evaluated: 2026-01-28. Review status: criteria provided, single submitter. Criteria: Invitae Variant Classification Sherloc (09022015). Collection method: clinical testing. Allele origin: germline.
Comment: This sequence change affects a donor splice site in intron 4 of the SPINK1 gene. RNA analysis indicates that disruption of this splice site induces altered splicing and may result in an absent or altered protein product. This variant is present in population databases (rs148954387, gnomAD 0.3%), and has an allele count higher than expected for a pathogenic variant. Disruption of this splice site has been observed in individual(s) with chronic pancreatitis (PMID: 15980664, 23017645, 26632706). ClinVar contains an entry for this variant (Variation ID: 132142). Studies have shown that disruption of this splice site alters mRNA splicing and is expected to lead to the loss of protein expression (PMID: 18978175, 26719302). For these reasons, this variant has been classified as Pathogenic.

3billion
Classification: Pathogenic for Hereditary pancreatitis. Last evaluated: 2025-09-26. Review status: criteria provided, single submitter. Criteria: ACMG Guidelines, 2015. Collection method: clinical testing. Allele origin: germline. Affected: yes.
Comment: The variant is observed in the gnomAD v4.1.0 dataset (total allele frequency: 0.011%). Predicted Consequence/Location: Canonical splice site: predicted to alter splicing and result in a loss or disruption of normal protein function. The predicted truncated protein may be shortened by more than 10%. Functional studies provide strong evidence of the variant having a damaging effect on the gene or gene product (PMID: 16849362, 18978175). The variant has been reported at least twice as pathogenic with clinical assertions and evidence for the classification (ClinVar ID: VCV000132142 /PMID: 10835640 /3billion dataset). Therefore, this variant is classified as Pathogenic according to the recommendation of ACMG/AMP guideline.

Genesolutions, Medical Genetics Institutes, Ho Chi Minh City, Vietnam
Classification: Likely pathogenic for Hereditary pancreatitis. Last evaluated: 2025-09-24. Review status: criteria provided, single submitter. Criteria: ACMG Guidelines, 2015. Collection method: clinical testing. Allele origin: germline. Affected: yes.

Revvity Omics, Revvity
Classification: Pathogenic. Last evaluated: 2025-07-28. Review status: criteria provided, single submitter. Criteria: ACMG Guidelines, 2015. Collection method: clinical testing. Allele origin: germline.

CeGaT Center for Human Genetics Tuebingen
Classification: Likely pathogenic. Last evaluated: 2025-05-01. Review status: criteria provided, single submitter. Criteria: CeGaT Center For Human Genetics Tuebingen Variant Classification Criteria Version 2. Collection method: clinical testing. Allele origin: germline. Affected: yes. Observed: 3 variant alleles.
Comment: SPINK1: PVS1:Strong, PS4:Moderate, PM2:Supporting, PS3:Supporting

Ambry Genetics
Classification: Pathogenic for Hereditary pancreatitis. Last evaluated: 2025-01-09. Review status: criteria provided, single submitter. Criteria: Ambry Variant Classification Scheme 2023. Collection method: clinical testing. Allele origin: germline.
Comment: The c.194+2T>C intronic pathogenic mutation results from a T to C substitution two nucleotides after coding exon 3 in the SPINK1 gene. This alteration occurs at the 3' terminus of the SPINK1 gene, is not expected to trigger nonsense-mediated mRNA decay, and only impacts the last 16 amino acids of the protein. The exact functional effect of this alteration is unknown; however, the impacted region is critical for protein function (Ambry internal data). This alteration was first reported in an individual with chronic pancreatitis (Witt H et al. Nat. Genet., 2000 Jun;25:213-6). A functional study found this mutation causes a splicing defect that significantly diminishes SPINK1 expression at the mRNA level and results in diminished trypsin inhibitor secretion (Kereszturi E et al. Gut, 2009 Apr;58:545-9). This mutation has been seen in individuals affected with idiopathic, familial, alcoholic, autoimmune and tropical chronic pancreatitis (Kereszturi E et al. Gut, 2009 Apr;58:545-9; Chang MC et al. J Gastroenterol Hepatol, 2014 Dec;29:2038-42; Cho SM et al. Ann Lab Med, 2016 Nov;36:555-60; Tang XY et al. Dig Liver Dis, 2020 02;52:143-148). This alteration has also been identified in individuals diagnosed with breast and/or pancreatic cancer (Yang X et al. PLoS One, 2015 Apr;10:e0125571; Boortalary T et al. Pancreas, 2018 Apr;47:e24-e25). Based on the supporting evidence, this alteration is interpreted as a disease-causing mutation.

Blueprint Genetics
Classification: Pathogenic for SPINK1-related disorders. Last evaluated: 2024-11-21. Review status: criteria provided, single submitter. Criteria: ACMG Guidelines, 2015. Collection method: clinical testing. Allele origin: germline. Affected: yes. Observed: 5 variant alleles.

ARUP Laboratories, Molecular Genetics and Genomics, ARUP Laboratories
Classification: Pathogenic. Last evaluated: 2024-07-09. Review status: criteria provided, single submitter. Criteria: ARUP Molecular Germline Variant Investigation Process 2024. Collection method: clinical testing. Allele origin: germline.
Comment: The SPINK1 c.194+2T>C variant (rs148954387) has been reported in the literature in numerous individuals diagnosed with chronic pancreatitis (Cho 2016, Kume 2006, Witt 2000, Zou 2018) and is one of the most common pathogenic variants in East Asian individuals affected with pancreatitis (Cho 2016, Zou 2018). This variant is reported as pathogenic by multiple laboratories in ClinVar (Variation ID: 132142), and it is found in the general population with an overall allele frequency of 0.03% (85/280290 alleles) in the Genome Aggregation Database. This variant abolishes the canonical splice donor site of intron 4, which is likely to disrupt gene function. Indeed, functional studies indicate a significant reduction of mRNA levels, skipping of exon 3, and undetectable levels of the SPINK1 protein (Kereszturi 2009, Kume 2006, Zou 2016). Based on available information, the c.194+2T>C variant is considered to be pathogenic. References: Cho SM et al. PRSS1, SPINK1, CFTR, and CTRC Pathogenic Variants in Korean Patients With Idiopathic Pancreatitis. Ann Lab Med. 2016 Nov;36(6):555-60. PMID: 27578509. Kereszturi E et al. Minigene analysis of intronic variants in common SPINK1 haplotypes associated with chronic pancreatitis. Gut. 2009; 58(4):545-9. PMID: 18978175. Kume K et al. [-215G>A; IVS3+2T>C] mutation in the SPINK1 gene causes exon 3 skipping and loss of the trypsin binding site. Gut. 2006; 55(8):1214. PMID: 16849362. Witt H et al. Mutations in the gene encoding the serine protease inhibitor, Kazal type 1 are associated with chronic pancreatitis. Nat Genet. 2000; 25(2):213-6. PMID: 10835640. Zou WB et al. Clarifying the clinical relevance of SPINK1 intronic variants in chronic pancreatitis. Gut. 2016 May;65(5):884-6. PMID: 26719302. Zou WB et al. SPINK1, PRSS1, CTRC, and CFTR Genotypes Influence Disease Onset and Clinical Outcomes in Chronic Pancreatitis. Clin Transl Gastroenterol. 2018 Nov 12;9(11):204. PMID: 30420730.

Institute of Human Genetics Munich, TUM University Hospital
Classification: Pathogenic for Tropical pancreatitis. Last evaluated: 2023-10-09. Review status: criteria provided, single submitter. Criteria: Classification criteria August 2017. Collection method: clinical testing. Allele origin: inherited. Inheritance: Autosomal recessive inheritance. Affected: yes. Observed: 1 variant allele.

Department of Pathology and Laboratory Medicine, Sinai Health System
Classification: Pathogenic for tropical pancreatitis. Last evaluated: 2022-11-14. Review status: criteria provided, single submitter. Criteria: ACMG Guidelines, 2015. Collection method: research. Allele origin: germline.

MGZ Medical Genetics Center
Classification: Pathogenic for Hereditary pancreatitis. Last evaluated: 2021-12-14. Review status: criteria provided, single submitter. Criteria: ACMG Guidelines, 2015. Collection method: clinical testing. Allele origin: germline. Affected: yes. Observed: 1 variant allele.
Comment: ACMG criteria applied: PS3, PS4, PM2_SUP

Fulgent Genetics
Classification: Pathogenic for Hereditary pancreatitis; Tropical pancreatitis. Last evaluated: 2018-10-31. Review status: criteria provided, single submitter. Criteria: ACMG Guidelines, 2015. Collection method: clinical testing. Allele origin: unknown.

Women's Health and Genetics/Laboratory Corporation of America, LabCorp
Classification: Pathogenic for Hereditary pancreatitis. Last evaluated: 2018-01-29. Review status: criteria provided, single submitter. Criteria: LabCorp Variant Classification Summary - May 2015. Collection method: clinical testing. Allele origin: germline.
Comment: Variant summary: SPINK1 c.194+2T>C is located in a canonical splice-site and is predicted to affect mRNA splicing resulting in a significantly altered protein due to either exon skipping, shortening, or inclusion of intronic material. 5/5 computational tools predict a significant impact on normal splicing. These predictions are supported by multiple functional studies, Kume_2006 and Kereszturi_2009, found the variant to significantly affect splicing. Multiple publications have cited the variant in affected individuals diagnosed with chronic pancreatitis, predominantly of Asian origin. Multiple clinical diagnostic laboratories have ClinVar submissions (after 2014) classifying the variant as "pathogenic." GeneReviews, a well-established database, classifies the variant as "pathogenic." Based on the evidence outlined above, the variant was classified as pathogenic.